The following is an entry in ClinVar:

NM_014444.5(TUBGCP4):c.1102del (p.Leu368fs)

Gene: TUBGCP4 (tubulin gamma complex component 4; plus strand). Cytogenetic location: 15q15.3.
Variant type: Deletion.
Coding change: c.1102del on transcript NM_014444.5 (MANE Select); coding-DNA position 1102, one base deleted (C; older notation c.1102delC).
Protein change: p.Leu368fs; shifts the reading frame from leucine 368.
Molecular consequence: frameshift variant.
Genome position (GRCh38, 1-based): chr15:43,395,619, C deleted. VCF-style (leftmost placement, unchanged base first): chr15-43395618-AC-A. GRCh37 (hg19) VCF-style: chr15-43687816-AC-A.
Other names: c.1102del, p.Leu368fs (NM_001286414.3); short protein forms L368fs.
Identifiers: ClinVar variation 2033467 (VCV002033467.4), dbSNP rs2543061756, ClinGen allele CA2580089433.
Genomic context (GRCh38, chr15:43,395,618, plus strand): 5'-TTGTAAATTGAAATTCTTTCCTCAGATCATTAAAGACTTTTACCTTCTGGGACGTGGAGA[AC>A]TGTTTCAGGCCTTCATTGACACAGCTCAACACATGTTGAAAACACCACCCACTGCAGTAA-3'

ClinVar aggregate classification (germline): Pathogenic (1 of 4 stars; one submission).

Submission:

Labcorp Genetics (formerly Invitae), Labcorp
Classification: Pathogenic. Last evaluated: 2022-09-30. Review status: criteria provided, single submitter. Criteria: Invitae Variant Classification Sherloc (09022015). Collection method: clinical testing. Allele origin: germline.
Comment: Algorithms developed to predict the effect of sequence changes on RNA splicing suggest that this variant may disrupt the consensus splice site. This variant has not been reported in the literature in individuals affected with TUBGCP4-related conditions. This variant is not present in population databases (gnomAD no frequency). This sequence change creates a premature translational stop signal (p.Leu368Cysfs*13) in the TUBGCP4 gene. It is expected to result in an absent or disrupted protein product. Loss-of-function variants in TUBGCP4 are known to be pathogenic (PMID: 25817018). For these reasons, this variant has been classified as Pathogenic.

Literature cited by the submitters: PubMed 25817018.